The following is an entry in ClinVar:

NM_000170.3(GLDC):c.2683A>G (p.Met895Val)

Gene: GLDC (glycine decarboxylase; minus strand). Cytogenetic location: 9p24.1.
Variant type: single nucleotide variant.
Coding change: c.2683A>G on transcript NM_000170.3 (MANE Select); coding-DNA position 2683, A replaced by G.
Protein change: p.Met895Val; replaces methionine 895 with valine.
Molecular consequence: missense variant.
Genome position (GRCh38, 1-based): chr9:6,536,219, T>C on the plus strand (A>G on the coding strand, the complement: GLDC is on the minus strand). VCF-style: chr9-6536219-T-C. GRCh37 (hg19) VCF-style: chr9-6536219-T-C.
Other names: short protein forms M895V.
Identifiers: ClinVar variation 367177 (VCV000367177.64), dbSNP rs141152043, ClinGen allele CA4980097.
Genomic context (GRCh38, chr9:6,536,219, plus strand): 5'-CTGCCTTGTCCTCCGACTCAGTGGGCTCCACCATGAGGGTCCCTGCCACAGGCCAGGACA[T>C]GGTAGGGGCGTGAAATCCTGCAAAGGGAGACAGGAGAACTTGCCTCACTGAAGGTCAGTG-3'
Protein context (NP_000161.2, residues 885-905): LQDYGFHAPT[Met895Val]SWPVAGTLMV

ClinVar aggregate classification (germline): Conflicting classifications of pathogenicity. Review status: criteria provided, conflicting classifications (1 of 4 stars). 11 submissions from 11 submitters: Uncertain significance (3); Benign (1); Likely benign (5). 2 of the submissions do not count toward it. Last evaluated 2026-09-01.

Conditions:
Glycine encephalopathy 1 (GCE1). Identifiers: MedGen CN376801, MONDO:0958179, OMIM 605899.
Glycine encephalopathy. Also called: Nonketotic hyperglycinemia; Non-ketotic hyperglycinemia. Identifiers: Orphanet 407, MedGen C0751748, MONDO:0011612, HP:0008288.
Intellectual disability. Also called: Intellectual functioning disability; intellectual disabilities; Intellectual developmental disorder. Identifiers: MedGen C3714756, MeSH D008607, MONDO:0001071, HP:0001249.
GLDC-related disorder. Also called: GLDC-related condition.

Allele frequency attached by ClinVar (database versions not stated): ExAC 0.00097; gnomAD exomes 0.00103; 1000 Genomes Project 30x 0.00172; ESP Exome Variant Server 0.00177; 1000 Genomes Project 0.00180; gnomAD 0.00189 and 0.00200; TOPMed 0.00200.
gnomAD v4.1: 1,080 of 1,613,886 alleles (0.067%); highest among the groups gnomAD compares: African/African-American, 0.46%; 5 homozygotes.

Submissions (11):

CeGaT Center for Human Genetics Tuebingen
Classification: Likely benign. Last evaluated: 2026-09-01. Review status: criteria provided, single submitter. Criteria: CeGaT Center For Human Genetics Tuebingen Variant Classification Criteria Version 2. Collection method: clinical testing. Allele origin: germline. Affected: yes. Observed: 3 variant alleles.
Comment: GLDC: BS2

Labcorp Genetics (formerly Invitae), Labcorp
Classification: Likely benign for Glycine encephalopathy. Last evaluated: 2026-02-02. Review status: criteria provided, single submitter. Criteria: Invitae Variant Classification Sherloc (09022015). Collection method: clinical testing. Allele origin: germline.

Blueprint Genetics
Classification: Likely benign. Last evaluated: 2024-11-22. Review status: criteria provided, single submitter. Criteria: ACMG Guidelines, 2015. Collection method: clinical testing. Allele origin: germline.

Department of Pathology and Laboratory Medicine, Sinai Health System
Classification: Uncertain significance for Glycine encephalopathy 1. Last evaluated: 2021-07-30. Review status: criteria provided, single submitter. Criteria: ACMG Guidelines, 2015. Collection method: research. Allele origin: germline.

GeneDx
Classification: Likely benign. Last evaluated: 2021-01-26. Review status: criteria provided, single submitter. Criteria: GeneDx Variant Classification Process June 2021. Collection method: clinical testing. Allele origin: germline. Affected: yes.

Elsea Laboratory, Baylor College of Medicine
Classification: Uncertain significance for Glycine encephalopathy 1. Last evaluated: 2020-04-01. Review status: criteria provided, single submitter. Criteria: ACMG Guidelines, 2015. Collection method: clinical testing. Allele origin: maternal. Affected: no.

Athena Diagnostics
Classification: Uncertain significance. Last evaluated: 2020-02-25. Review status: criteria provided, single submitter. Criteria: Athena Diagnostics Criteria. Collection method: clinical testing. Allele origin: unknown.

Cambridge Genomics Laboratory, East Genomic Laboratory Hub, NHS Genomic Medicine Service
Classification: Benign for Intellectual disability. Last evaluated: 2019-06-21. Review status: criteria provided, single submitter. Criteria: ACGS Best Practice Guidelines for Variant Classification in Rare Disease 2020. Collection method: clinical testing. Allele origin: germline. Affected: yes. Observed: 1 variant allele.

Illumina Laboratory Services, Illumina
Classification: Likely benign for Glycine encephalopathy 1. Last evaluated: 2018-01-13. Review status: criteria provided, single submitter. Criteria: ICSL Variant Classification Criteria 13 December 2019. Collection method: clinical testing. Allele origin: germline.
Comment: This variant was observed in the ICSL laboratory as part of a predisposition screen in an ostensibly healthy population. It had not been previously curated by ICSL or reported in the Human Gene Mutation Database (HGMD: prior to June 1st, 2018), and was therefore a candidate for classification through an automated scoring system. Utilizing variant allele frequency, disease prevalence and penetrance estimates, and inheritance mode, an automated score was calculated to assess if this variant is too frequent to cause the disease. Based on the score and internal cut-off values, a variant classified as likely benign is not then subjected to further curation. The score for this variant resulted in a classification of likely benign for this disease.

PreventionGenetics, part of Exact Sciences
Classification: Likely benign for GLDC-related condition. Last evaluated: 2022-04-11. Review status: no assertion criteria provided. Collection method: clinical testing. Allele origin: germline. Not counted in ClinVar's aggregate classification.
Comment: This variant is classified as likely benign based on ACMG/AMP sequence variant interpretation guidelines (Richards et al. 2015 PMID: 25741868, with internal and published modifications).

Natera, Inc.
Classification: Benign for Non-ketotic hyperglycinemia. Last evaluated: 2019-11-11. Review status: no assertion criteria provided. Collection method: clinical testing. Allele origin: germline. Not counted in ClinVar's aggregate classification.